The following is an entry in ClinVar:

ClinVar aggregate classification (germline): Likely benign. Review status: criteria provided, single submitter (1 of 4 stars). 2 submissions from 2 submitters: Likely benign (1). 1 of the submissions does not count toward it. Last evaluated 2019-11-15.

Conditions:
TRMU-related disorder. Also called: TRMU-related condition.

Allele frequency attached by ClinVar (database versions not stated): gnomAD exomes below 0.00001.
gnomAD v4.1: 1 of 1,614,178 alleles (0.000062%); highest among the groups gnomAD compares: African/African-American, 0.0013%; no homozygotes.

Submissions (2):

Labcorp Genetics (formerly Invitae), Labcorp
Classification: Likely benign. Last evaluated: 2019-11-15. Review status: criteria provided, single submitter. Criteria: Invitae Variant Classification Sherloc (09022015). Collection method: clinical testing. Allele origin: germline.

PreventionGenetics, part of Exact Sciences
Classification: Likely benign for TRMU-related condition. Last evaluated: 2022-05-16. Review status: no assertion criteria provided. Collection method: clinical testing. Allele origin: germline. Not counted in ClinVar's aggregate classification.
Comment: This variant is classified as likely benign based on ACMG/AMP sequence variant interpretation guidelines (Richards et al. 2015 PMID: 25741868, with internal and published modifications).

NM_018006.5(TRMU):c.83-10C>G

Gene: TRMU (tRNA mitochondrial 2-thiouridylase; plus strand). Cytogenetic location: 22q13.31.
Variant type: single nucleotide variant.
Coding change: c.83-10C>G on transcript NM_018006.5 (MANE Select); 10 bases into the intron before coding-DNA position 83, C replaced by G.
Molecular consequence: intron variant.
Genome position (GRCh38, 1-based): chr22:46,337,769, C>G. VCF-style: chr22-46337769-C-G. GRCh37 (hg19) VCF-style: chr22-46733666-C-G.
Other names: c.83-10C>G (NM_001282785.2, NM_018006.4); c.-153-10C>G (NM_001282782.2); c.-172-10C>G (NM_001282783.2, NM_001282784.2).
Identifiers: ClinVar variation 1126730 (VCV001126730.10), dbSNP rs2078016326, ClinGen allele CA2408693364.